The following is an entry in ClinVar:

NM_004519.4(KCNQ3):c.1723G>A (p.Gly575Arg)

Gene: KCNQ3 (potassium voltage-gated channel subfamily Q member 3; minus strand). Cytogenetic location: 8q24.22.
Variant type: single nucleotide variant.
Coding change: c.1723G>A on transcript NM_004519.4 (MANE Select); coding-DNA position 1723, G replaced by A.
Protein change: p.Gly575Arg; replaces glycine 575 with arginine.
Molecular consequence: missense variant.
Genome position (GRCh38, 1-based): chr8:132,134,366, C>T on the plus strand (G>A on the coding strand, the complement: KCNQ3 is on the minus strand). VCF-style: chr8-132134366-C-T. GRCh37 (hg19) VCF-style: chr8-133146613-C-T.
Other names: c.1363G>A, p.Gly455Arg (NM_001204824.2); short protein forms G455R, G575R.
Identifiers: ClinVar variation 951413 (VCV000951413.9), dbSNP rs755560218, ClinGen allele CA4880606.
Genomic context (GRCh38, chr8:132,134,366, plus strand): 5'-ATGGGAAGGTGAATGCTGACCCTTTCTGAGACTTCTTGTGTTTTGGCGTGGAGGGAGGTC[C>T]AGGGGTGAAAATCATATCTATTCTGAAAGAAACAAACAGAGCAGGGATTAAATTACACAG-3'
Protein context (NP_004510.1, residues 565-585): QTRIDMIFTP[Gly575Arg]PPSTPKHKKS

ClinVar aggregate classification (germline): Uncertain significance (1 of 4 stars; one submission).

Conditions:
Benign neonatal seizures. Also called: Benign familial neonatal seizures; Benign familial neonatal epilepsy; Convulsions benign familial neonatal dominant form; Autosomal dominant form of benign neonatal seizures; Benign neonatal familial convulsions. Identifiers: Orphanet 1949, MedGen C0220669, MONDO:0016027.

Allele frequency attached by ClinVar (database versions not stated): gnomAD exomes below 0.00001; ExAC 0.00001.

Submission:

Labcorp Genetics (formerly Invitae), Labcorp
Classification: Uncertain significance for Benign neonatal seizures. Last evaluated: 2019-10-30. Review status: criteria provided, single submitter. Criteria: Invitae Variant Classification Sherloc (09022015). Collection method: clinical testing. Allele origin: germline.
Comment: Algorithms developed to predict the effect of sequence changes on RNA splicing suggest that this variant may create or strengthen a splice site, but this prediction has not been confirmed by published transcriptional studies. Algorithms developed to predict the effect of missense changes on protein structure and function (SIFT, PolyPhen-2, Align-GVGD) all suggest that this variant is likely to be disruptive, but these predictions have not been confirmed by published functional studies and their clinical significance is uncertain. This variant has not been reported in the literature in individuals with KCNQ3-related conditions. This variant is present in population databases (rs755560218, ExAC 0.001%). This sequence change replaces glycine with arginine at codon 575 of the KCNQ3 protein (p.Gly575Arg). The glycine residue is highly conserved and there is a moderate physicochemical difference between glycine and arginine. In summary, the available evidence is currently insufficient to determine the role of this variant in disease. Therefore, it has been classified as a Variant of Uncertain Significance.